The following is an entry in ClinVar:

ClinVar aggregate classification (germline): Likely pathogenic (1 of 4 stars; one submission).

Conditions:
Tuberous sclerosis 2 (TSC2). Identifiers: Orphanet 805, MedGen C1860707, MONDO:0013199, OMIM 613254.

Submission:

Labcorp Genetics (formerly Invitae), Labcorp
Classification: Likely pathogenic for Tuberous sclerosis 2. Last evaluated: 2024-04-04. Review status: criteria provided, single submitter. Criteria: Invitae Variant Classification Sherloc (09022015). Collection method: clinical testing. Allele origin: germline.
Comment: This sequence change replaces leucine, which is neutral and non-polar, with proline, which is neutral and non-polar, at codon 104 of the TSC2 protein (p.Leu104Pro). This variant is not present in population databases (gnomAD no frequency). This missense change has been observed in individual(s) with clinical features of tuberous sclerosis complex (Invitae). In at least one individual the variant was observed to be de novo. ClinVar contains an entry for this variant (Variation ID: 859124). Advanced modeling of protein sequence and biophysical properties (such as structural, functional, and spatial information, amino acid conservation, physicochemical variation, residue mobility, and thermodynamic stability) has been performed at Invitae for this missense variant, however the output from this modeling did not meet the statistical confidence thresholds required to predict the impact of this variant on TSC2 protein function. In summary, the currently available evidence indicates that the variant is pathogenic, but additional data are needed to prove that conclusively. Therefore, this variant has been classified as Likely Pathogenic.

NM_000548.5(TSC2):c.311T>C (p.Leu104Pro)

Gene: TSC2 (TSC complex subunit 2; plus strand). Cytogenetic location: 16p13.3.
Variant type: single nucleotide variant.
Coding change: c.311T>C on transcript NM_000548.5 (MANE Select); coding-DNA position 311, T replaced by C.
Protein change: p.Leu104Pro; replaces leucine 104 with proline.
Molecular consequence: missense variant. On other transcripts: intron variant (2).
Genome position (GRCh38, 1-based): chr16:2,053,427, T>C. VCF-style: chr16-2053427-T-C. GRCh37 (hg19) VCF-style: chr16-2103428-T-C.
Other names: c.311T>C, p.Leu104Pro (NM_001077183.3, NM_001114382.3, NM_001363528.2 and 3 more transcripts); c.164T>C, p.Leu55Pro (NM_001318829.2); c.344T>C, p.Leu115Pro (NM_001318832.2); c.226-869T>C (NM_001318827.2); c.-1-2769T>C (NM_001318831.2); short protein forms L104P, L115P, L55P.
Identifiers: ClinVar variation 859124 (VCV000859124.10), dbSNP rs2085373985, ClinGen allele CA394305921.
Genomic context (GRCh38, chr16:2,053,427, plus strand): 5'-CGGTCGCGGATCTGTTGCAGCCGGAGCGGCCGCTGGAGGCCCGGCACGCGGTGCTGGCTC[T>C]GCTGAAGGCCATCGTGCAGGGGCAGGTAAGGCCCAGGGCGACGCTGGGATGGGTGACGTC-3'
Protein context (NP_000539.2, residues 94-114): PLEARHAVLA[Leu104Pro]LKAIVQGQGE